The following is an entry in ClinVar:

ClinVar aggregate classification (germline): Uncertain significance. Review status: criteria provided, multiple submitters, no conflicts (2 of 4 stars). 2 submissions from 2 submitters: Uncertain significance (2). Last evaluated 2025-03-25.

Conditions:
Inborn genetic diseases. Identifiers: MedGen C0950123, MeSH D030342.

gnomAD v4.1: 58 of 1,613,306 alleles (0.0036%); highest among the groups gnomAD compares: South Asian, 0.0099%; no homozygotes.

Submissions (2):

Ambry Genetics
Classification: Uncertain significance for Inborn genetic diseases. Last evaluated: 2025-03-25. Review status: criteria provided, single submitter. Criteria: Ambry Variant Classification Scheme 2023. Collection method: clinical testing. Allele origin: germline.

Labcorp Genetics (formerly Invitae), Labcorp
Classification: Uncertain significance. Last evaluated: 2024-09-11. Review status: criteria provided, single submitter. Criteria: Invitae Variant Classification Sherloc (09022015). Collection method: clinical testing. Allele origin: germline.
Comment: This sequence change replaces glutamic acid, which is acidic and polar, with lysine, which is basic and polar, at codon 1204 of the ITGB4 protein (p.Glu1204Lys). This variant is present in population databases (rs749103392, gnomAD 0.02%). This variant has not been reported in the literature in individuals affected with ITGB4-related conditions. Invitae Evidence Modeling of protein sequence and biophysical properties (such as structural, functional, and spatial information, amino acid conservation, physicochemical variation, residue mobility, and thermodynamic stability) indicates that this missense variant is not expected to disrupt ITGB4 protein function with a negative predictive value of 80%. In summary, the available evidence is currently insufficient to determine the role of this variant in disease. Therefore, it has been classified as a Variant of Uncertain Significance.

NM_000213.5(ITGB4):c.3610G>A (p.Glu1204Lys)

Gene: ITGB4 (integrin subunit beta 4; plus strand). Cytogenetic location: 17q25.1.
Variant type: single nucleotide variant.
Coding change: c.3610G>A on transcript NM_000213.5 (MANE Select); coding-DNA position 3610, G replaced by A.
Protein change: p.Glu1204Lys; replaces glutamic acid 1204 with lysine.
Molecular consequence: missense variant.
Genome position (GRCh38, 1-based): chr17:75,750,815, G>A. VCF-style: chr17-75750815-G-A. GRCh37 (hg19) VCF-style: chr17-73746896-G-A.
Other names: c.3610G>A, p.Glu1204Lys (NM_001005619.2, NM_001005731.3, NM_001321123.2); short protein forms E1204K.
Identifiers: ClinVar variation 3622035 (VCV003622035.3).
Genomic context (GRCh38, chr17:75,750,815, plus strand): 5'-ACCAACCTGTACCCGTATTGCGACTATGAGATGAAGGTGTGCGCCTACGGGGCTCAGGGC[G>A]AGGGACCCTACAGCTCCCTGGTGTCCTGCCGCACCCACCAGGAAGGTGAGGCCTCGCCAT-3'
Protein context (NP_000204.3, residues 1194-1214): MKVCAYGAQG[Glu1204Lys]GPYSSLVSCR